The following is an entry in ClinVar:

NM_001184.4(ATR):c.4841T>C (p.Val1614Ala)

Gene: ATR (ATR checkpoint kinase; minus strand). Cytogenetic location: 3q23.
Variant type: single nucleotide variant.
Coding change: c.4841T>C on transcript NM_001184.4 (MANE Select); coding-DNA position 4841, T replaced by C.
Protein change: p.Val1614Ala; replaces valine 1614 with alanine.
Molecular consequence: missense variant.
Genome position (GRCh38, 1-based): chr3:142,512,271, A>G on the plus strand (T>C on the coding strand, the complement: ATR is on the minus strand). VCF-style: chr3-142512271-A-G. GRCh37 (hg19) VCF-style: chr3-142231113-A-G.
Other names: c.4649T>C, p.Val1550Ala (NM_001354579.2); short protein forms V1614A, V1550A.
Identifiers: ClinVar variation 2711668 (VCV002711668.3), dbSNP rs2108371073, ClinGen allele CA354794782.

ClinVar aggregate classification (germline): Uncertain significance (1 of 4 stars; one submission).

Allele frequency attached by ClinVar (database versions not stated): gnomAD exomes 0.00001.
gnomAD v4.1: 10 of 1,610,298 alleles (0.00062%); highest among the groups gnomAD compares: Non-Finnish European, 0.00085%; no homozygotes.

Submission:

Labcorp Genetics (formerly Invitae), Labcorp
Classification: Uncertain significance. Last evaluated: 2025-05-18. Review status: criteria provided, single submitter. Criteria: Invitae Variant Classification Sherloc (09022015). Collection method: clinical testing. Allele origin: germline.
Comment: This sequence change replaces valine, which is neutral and non-polar, with alanine, which is neutral and non-polar, at codon 1614 of the ATR protein (p.Val1614Ala). This variant is not present in population databases (gnomAD no frequency). This variant has not been reported in the literature in individuals affected with ATR-related conditions. ClinVar contains an entry for this variant (Variation ID: 2711668). An algorithm developed to predict the effect of missense changes on protein structure and function outputs the following: PolyPhen-2: "Benign". The alanine amino acid residue is found in multiple mammalian species, which suggests that this missense change does not adversely affect protein function. In summary, the available evidence is currently insufficient to determine the role of this variant in disease. Therefore, it has been classified as a Variant of Uncertain Significance.